The following is an entry in ClinVar:

ClinVar aggregate classification (germline): Pathogenic (1 of 4 stars; one submission).

Conditions:
Hereditary cancer-predisposing syndrome. Also called: Hereditary Cancer Syndrome; Hereditary neoplastic syndrome; Neoplastic Syndromes, Hereditary; Tumor predisposition. Identifiers: Orphanet 140162, MedGen C0027672, MeSH D009386, MONDO:0015356.

Submission:

Ambry Genetics
Classification: Pathogenic for Hereditary cancer-predisposing syndrome. Last evaluated: 2019-05-09. Review status: criteria provided, single submitter. Criteria: Ambry Variant Classification Scheme 2023. Collection method: clinical testing. Allele origin: germline.
Comment: The c.1422-1G>T intronic pathogenic mutation results from a G to T substitution one nucleotide upstream from coding exon 16 of the RB1 gene. In addition to the clinical data presented in the literature, alterations that disrupt the canonical splice site are expected to cause aberrant splicing, resulting in an abnormal protein or a transcript that is subject to nonsense-mediated mRNA decay. As such, this alteration is classified as a disease-causing mutation.

Literature cited by the submitters: PubMed 23301675.

NM_000321.3(RB1):c.1422-1G>T

Gene: RB1 (RB transcriptional corepressor 1; plus strand). Cytogenetic location: 13q14.2.
Variant type: single nucleotide variant.
Coding change: c.1422-1G>T on transcript NM_000321.3 (MANE Select); the canonical splice acceptor site of the intron before coding-DNA position 1422, G replaced by T.
Molecular consequence: splice acceptor variant.
Genome position (GRCh38, 1-based): chr13:48,380,164, G>T. VCF-style: chr13-48380164-G-T. GRCh37 (hg19) VCF-style: chr13-48954300-G-T.
Other names: c.1422-1G>T (NM_001407165.1, NM_001407166.1).
Identifiers: ClinVar variation 1772274 (VCV001772274.2), dbSNP rs1461382798, ClinGen allele CA388162754.